The following is an entry in ClinVar:

ClinVar aggregate classification (germline): Conflicting classifications of pathogenicity. Review status: criteria provided, conflicting classifications (1 of 4 stars). 2 submissions from 2 submitters: Uncertain significance (1); Likely benign (1). Last evaluated 2024-12-03.

Conditions:
Inborn genetic diseases. Identifiers: MedGen C0950123, MeSH D030342.

Allele frequency attached by ClinVar (database versions not stated): 1000 Genomes Project 30x 0.00016; 1000 Genomes Project 0.00020.
gnomAD v4.1: 40 of 1,613,908 alleles (0.0025%); highest among the groups gnomAD compares: African/African-American, 0.051%; no homozygotes.

Submissions (2):

Ambry Genetics
Classification: Likely benign for Inborn genetic diseases. Last evaluated: 2024-12-03. Review status: criteria provided, single submitter. Criteria: Ambry Variant Classification Scheme 2023. Collection method: clinical testing. Allele origin: germline.

Labcorp Genetics (formerly Invitae), Labcorp
Classification: Uncertain significance. Last evaluated: 2023-11-10. Review status: criteria provided, single submitter. Criteria: Invitae Variant Classification Sherloc (09022015). Collection method: clinical testing. Allele origin: germline.
Comment: This sequence change replaces glutamic acid, which is acidic and polar, with aspartic acid, which is acidic and polar, at codon 125 of the ASXL2 protein (p.Glu125Asp). This variant is present in population databases (rs374285356, gnomAD 0.05%). This variant has not been reported in the literature in individuals affected with ASXL2-related conditions. Advanced modeling of protein sequence and biophysical properties (such as structural, functional, and spatial information, amino acid conservation, physicochemical variation, residue mobility, and thermodynamic stability) performed at Invitae indicates that this missense variant is not expected to disrupt ASXL2 protein function with a negative predictive value of 80%. In summary, the available evidence is currently insufficient to determine the role of this variant in disease. Therefore, it has been classified as a Variant of Uncertain Significance.

NM_018263.6(ASXL2):c.375G>T (p.Glu125Asp)

Gene: ASXL2 (ASXL transcriptional regulator 2; minus strand). Cytogenetic location: 2p23.3.
Variant type: single nucleotide variant.
Coding change: c.375G>T on transcript NM_018263.6 (MANE Select); coding-DNA position 375, G replaced by T.
Protein change: p.Glu125Asp; replaces glutamic acid 125 with aspartic acid.
Molecular consequence: missense variant.
Genome position (GRCh38, 1-based): chr2:25,799,413, C>A on the plus strand (G>T on the coding strand, the complement: ASXL2 is on the minus strand). VCF-style: chr2-25799413-C-A. GRCh37 (hg19) VCF-style: chr2-26022282-C-A.
Other names: c.375G>T (NM_018263.4); c.201G>T, p.Glu67Asp (NM_001369346.1); short protein forms E67D, E125D.
Identifiers: ClinVar variation 2918370 (VCV002918370.4), dbSNP rs374285356, ClinGen allele CA1558087.